The following is an entry in ClinVar:

NM_020366.4(RPGRIP1):c.3275_3276dup (p.Ala1093fs)

Gene: RPGRIP1 (RPGR interacting protein 1; plus strand). Cytogenetic location: 14q11.2.
Variant type: Duplication.
Coding change: c.3275_3276dup on transcript NM_020366.4 (MANE Select); coding-DNA positions 3275 to 3276, 2 bases duplicated (AA; older notation c.3275_3276dupAA).
Protein change: p.Ala1093fs; shifts the reading frame from alanine 1093.
Molecular consequence: frameshift variant.
Genome position (GRCh38, 1-based): chr14:21,334,641-21,334,642, AA duplicated. VCF-style (leftmost placement, unchanged base first): chr14-21334640-G-GAA. GRCh37 (hg19) VCF-style: chr14-21802799-G-GAA.
Other names: c.1361_1362dup, p.Ala455fs (NM_001377949.1); c.1253_1254dup, p.Ala419fs (NM_001377950.1, NM_001377523.1); c.758_759dup, p.Ala254fs (NM_001377951.1); c.2201_2202dup, p.Ala735fs (NM_001377948.1); short protein forms A1093fs, A254fs, A419fs, A455fs, A735fs.
Identifiers: ClinVar variation 1437865 (VCV001437865.6), dbSNP rs2139288271, ClinGen allele CA2573149728.

ClinVar aggregate classification (germline): Pathogenic (1 of 4 stars; one submission).

Conditions:
Cone-rod dystrophy 13 (CORD13). Identifiers: Orphanet 1872, MedGen C2750720, MONDO:0011987, OMIM 608194.
Leber congenital amaurosis 6 (LCA6). Identifiers: Orphanet 65, MedGen C1854260, MONDO:0013446, OMIM 613826.

Submission:

Labcorp Genetics (formerly Invitae), Labcorp
Classification: Pathogenic for Leber congenital amaurosis 6; Cone-rod dystrophy 13. Last evaluated: 2024-02-23. Review status: criteria provided, single submitter. Criteria: Invitae Variant Classification Sherloc (09022015). Collection method: clinical testing. Allele origin: germline.
Comment: This sequence change creates a premature translational stop signal (p.Ala1093Lysfs*11) in the RPGRIP1 gene. It is expected to result in an absent or disrupted protein product. Loss-of-function variants in RPGRIP1 are known to be pathogenic (PMID: 11528500, 23105016). This variant is not present in population databases (gnomAD no frequency). This variant has not been reported in the literature in individuals affected with RPGRIP1-related conditions. ClinVar contains an entry for this variant (Variation ID: 1437865). Algorithms developed to predict the effect of sequence changes on RNA splicing suggest that this variant may disrupt the consensus splice site. For these reasons, this variant has been classified as Pathogenic.

Literature cited by the submitters: PubMed 11528500; PubMed 23105016.